The following is an entry in ClinVar:

NC_000001.10:g.(?_216419907)_(216420588_?)del

Gene: USH2A (usherin; minus strand). Cytogenetic location: 1q41.
Variant type: Deletion.
Identifiers: ClinVar variation 3248038 (VCV003248038.1).

ClinVar aggregate classification (germline): Pathogenic (1 of 4 stars; one submission).

Submission:

Labcorp Genetics (formerly Invitae), Labcorp
Classification: Pathogenic. Last evaluated: 2023-05-18. Review status: criteria provided, single submitter. Criteria: Invitae Variant Classification Sherloc (09022015). Collection method: clinical testing. Allele origin: unknown.
Comment: For these reasons, this variant has been classified as Pathogenic. This variant disrupts a region of the USH2A protein in which other variant(s) (p.Cys934Trp) have been determined to be pathogenic (PMID: 26310143, 30948794). This suggests that this is a clinically significant region of the protein, and that variants that disrupt it are likely to be disease-causing. This variant has not been reported in the literature in individuals affected with USH2A-related conditions. This variant is a gross deletion of the genomic region encompassing exon(s) 13 of the USH2A gene. This variant would be expected to be in-frame, preserving the integrity of the reading frame.

Literature cited by the submitters: PubMed 26310143; PubMed 30948794.